The following is an entry in ClinVar:

ClinVar aggregate classification (germline): Uncertain significance. Review status: criteria provided, multiple submitters, no conflicts (2 of 4 stars). 2 submissions from 2 submitters: Uncertain significance (2). Last evaluated 2025-08-11.

Conditions:
Inborn genetic diseases. Identifiers: MedGen C0950123, MeSH D030342.

Allele frequency attached by ClinVar (database versions not stated): gnomAD 0.00001; ExAC 0.00003.

Submissions (2):

Ambry Genetics
Classification: Uncertain significance for Inborn genetic diseases. Last evaluated: 2025-08-11. Review status: criteria provided, single submitter. Criteria: Ambry Variant Classification Scheme 2023. Collection method: clinical testing. Allele origin: germline.

Labcorp Genetics (formerly Invitae), Labcorp
Classification: Uncertain significance. Last evaluated: 2024-10-28. Review status: criteria provided, single submitter. Criteria: Invitae Variant Classification Sherloc (09022015). Collection method: clinical testing. Allele origin: germline.
Comment: This sequence change replaces alanine, which is neutral and non-polar, with threonine, which is neutral and polar, at codon 1456 of the TUBGCP6 protein (p.Ala1456Thr). The frequency data for this variant in the population databases is considered unreliable, as metrics indicate poor data quality at this position in the gnomAD database. This variant has not been reported in the literature in individuals affected with TUBGCP6-related conditions. ClinVar contains an entry for this variant (Variation ID: 1438977). An algorithm developed to predict the effect of missense changes on protein structure and function outputs the following: PolyPhen-2: "Benign". The threonine amino acid residue is found in multiple mammalian species, which suggests that this missense change does not adversely affect protein function. Algorithms developed to predict the effect of sequence changes on RNA splicing suggest that this variant may disrupt the consensus splice site. In summary, the available evidence is currently insufficient to determine the role of this variant in disease. Therefore, it has been classified as a Variant of Uncertain Significance.

NM_020461.4(TUBGCP6):c.4366G>A (p.Ala1456Thr)

Gene: TUBGCP6 (tubulin gamma complex component 6; minus strand). Cytogenetic location: 22q13.33.
Variant type: single nucleotide variant.
Coding change: c.4366G>A on transcript NM_020461.4 (MANE Select); coding-DNA position 4366, G replaced by A.
Protein change: p.Ala1456Thr; replaces alanine 1456 with threonine.
Molecular consequence: missense variant.
Genome position (GRCh38, 1-based): chr22:50,219,406, C>T on the plus strand (G>A on the coding strand, the complement: TUBGCP6 is on the minus strand). VCF-style: chr22-50219406-C-T. GRCh37 (hg19) VCF-style: chr22-50657835-C-T.
Other names: c.4366G>A (NM_020461.3); short protein forms A1456T.
Identifiers: ClinVar variation 1438977 (VCV001438977.8), dbSNP rs750945831, ClinGen allele CA10307530.